The following is an entry in ClinVar:

NM_000142.5(FGFR3):c.1291A>G (p.Met431Val)

Gene: FGFR3 (fibroblast growth factor receptor 3; plus strand). Cytogenetic location: 4p16.3.
Variant type: single nucleotide variant.
Coding change: c.1291A>G on transcript NM_000142.5 (MANE Select); coding-DNA position 1291, A replaced by G.
Protein change: p.Met431Val; replaces methionine 431 with valine.
Molecular consequence: missense variant. On other transcripts: non-coding transcript variant (1).
Genome position (GRCh38, 1-based): chr4:1,804,848, A>G. VCF-style: chr4-1804848-A-G. GRCh37 (hg19) VCF-style: chr4-1806575-A-G.
Other names: c.1297A>G, p.Met433Val (NM_001163213.2); c.1294A>G, p.Met432Val (NM_001354809.2, NM_001354810.2); c.955A>G, p.Met319Val (NM_022965.4); short protein forms M432V, M433V, M319V, M431V.
Identifiers: ClinVar variation 2795588 (VCV002795588.3), dbSNP rs899570397, ClinGen allele CA91254474.

ClinVar aggregate classification (germline): Uncertain significance (1 of 4 stars; one submission).

Submission:

Labcorp Genetics (formerly Invitae), Labcorp
Classification: Uncertain significance. Last evaluated: 2025-09-24. Review status: criteria provided, single submitter. Criteria: Invitae Variant Classification Sherloc (09022015). Collection method: clinical testing. Allele origin: germline.
Comment: This sequence change replaces methionine, which is neutral and non-polar, with valine, which is neutral and non-polar, at codon 431 of the FGFR3 protein (p.Met431Val). This variant is not present in population databases (gnomAD no frequency). This variant has not been reported in the literature in individuals affected with FGFR3-related conditions. ClinVar contains an entry for this variant (Variation ID: 2795588). Invitae Evidence Modeling of protein sequence and biophysical properties (such as structural, functional, and spatial information, amino acid conservation, physicochemical variation, residue mobility, and thermodynamic stability) indicates that this missense variant is not expected to disrupt FGFR3 protein function with a negative predictive value of 80%. In summary, the available evidence is currently insufficient to determine the role of this variant in disease. Therefore, it has been classified as a Variant of Uncertain Significance.